The following is an entry in ClinVar:

ClinVar aggregate classification (germline): Uncertain significance (1 of 4 stars; one submission).

Conditions:
Alkuraya-Kucinskas syndrome. Identifiers: Orphanet 610569, MedGen C4693347, MONDO:0060631, OMIM 617822.

Submission:

HudsonAlpha Institute for Biotechnology
Classification: Uncertain significance for Alkuraya-Kucinskas syndrome. Last evaluated: 2020-07-31. Review status: criteria provided, single submitter. Criteria: ACMG Guidelines, 2015. Collection method: research. Allele origin: maternal. Observed: 1 compound heterozygote. Study: CSER-SouthSeq.
Comment: ACMG codes:PM2, PP3, PP4

NM_001384125.1(BLTP1):c.14628G>T (p.Lys4876Asn)

Gene: BLTP1 (bridge-like lipid transfer protein family member 1; plus strand). Cytogenetic location: 4q27.
Variant type: single nucleotide variant.
Coding change: c.14628G>T on transcript NM_001384125.1 (MANE Select); coding-DNA position 14628, G replaced by T.
Protein change: p.Lys4876Asn; replaces lysine 4876 with asparagine.
Molecular consequence: missense variant.
Genome position (GRCh38, 1-based): chr4:122,355,854, G>T. VCF-style: chr4-122355854-G-T. GRCh37 (hg19) VCF-style: chr4-123277009-G-T.
Other names: c.14364G>T, p.Lys4788Asn (NM_015312.4); short protein forms K4788N, K4876N.
Identifiers: ClinVar variation 982421 (VCV000982421.1), dbSNP rs1433976424, ClinGen allele CA358098872.